The following is an entry in ClinVar:

NM_001127198.5(TMC6):c.56+6C>T

Gene: TMC6 (transmembrane channel like 6; minus strand). Cytogenetic location: 17q25.3.
Variant type: single nucleotide variant.
Coding change: c.56+6C>T on transcript NM_001127198.5 (MANE Select); 6 bases into the intron after coding-DNA position 56, C replaced by T.
Molecular consequence: intron variant.
Genome position (GRCh38, 1-based): chr17:78,126,771, G>A on the plus strand (C>T on the coding strand, the complement: TMC6 is on the minus strand). VCF-style: chr17-78126771-G-A. GRCh37 (hg19) VCF-style: chr17-76122852-G-A.
Other names: c.56+6C>T (NM_001374594.1, NM_001374596.1, NM_001374593.1 and 4 more transcripts).
Identifiers: ClinVar variation 2148809 (VCV002148809.5), dbSNP rs766610250, ClinGen allele CA8796293.

ClinVar aggregate classification (germline): Conflicting classifications of pathogenicity. Review status: criteria provided, conflicting classifications (1 of 4 stars). 2 submissions from 2 submitters: Uncertain significance (1); Likely benign (1). Last evaluated 2025-08-21.

Conditions:
Epidermodysplasia verruciformis. Identifiers: Orphanet 302, MedGen C0014522, MONDO:0009176.

Allele frequency attached by ClinVar (database versions not stated): TOPMed 0.00002; ExAC 0.00004; gnomAD 0.00006.
gnomAD v4.1: 39 of 1,612,896 alleles (0.0024%); highest among the groups gnomAD compares: African/African-American, 0.017%; no homozygotes.

Submissions (2):

Labcorp Genetics (formerly Invitae), Labcorp
Classification: Uncertain significance for Epidermodysplasia verruciformis. Last evaluated: 2025-08-21. Review status: criteria provided, single submitter. Criteria: Invitae Variant Classification Sherloc (09022015). Collection method: clinical testing. Allele origin: germline.
Comment: This sequence change falls in intron 2 of the TMC6 gene. It does not directly change the encoded amino acid sequence of the TMC6 protein. It affects a nucleotide within the consensus splice site. This variant is present in population databases (rs766610250, gnomAD 0.02%). This variant has not been reported in the literature in individuals affected with TMC6-related conditions. ClinVar contains an entry for this variant (Variation ID: 2148809). Variants that disrupt the consensus splice site are a relatively common cause of aberrant splicing (PMID: 17576681, 9536098). Algorithms developed to predict the effect of sequence changes on RNA splicing suggest that this variant is not likely to affect RNA splicing. In summary, the available evidence is currently insufficient to determine the role of this variant in disease. Therefore, it has been classified as a Variant of Uncertain Significance.

Blueprint Genetics
Classification: Likely benign. Last evaluated: 2024-09-11. Review status: criteria provided, single submitter. Criteria: ACMG Guidelines, 2015. Collection method: clinical testing. Allele origin: germline.

Literature cited by the submitters: PubMed 17576681 (cited by Labcorp Genetics (formerly Invitae), Labcorp); PubMed 9536098 (cited by Labcorp Genetics (formerly Invitae), Labcorp).